The following is an entry in ClinVar:

NM_014585.6(SLC40A1):c.718_720del (p.Lys240del)

Gene: SLC40A1 (solute carrier family 40 member 1; minus strand). Cytogenetic location: 2q32.2.
Variant type: Deletion.
Coding change: c.718_720del on transcript NM_014585.6 (MANE Select); coding-DNA positions 718 to 720, 3 bases deleted (AAA; older notation c.718_720delAAA).
Protein change: p.Lys240del; deletes lysine 240.
Molecular consequence: inframe deletion.
Genome position (GRCh38, 1-based): chr2:189,565,394-189,565,396, TTT deleted on the plus strand (AAA on the coding strand, the reverse complement: SLC40A1 is on the minus strand). VCF-style (leftmost placement, unchanged base first): chr2-189565393-CTTT-C. GRCh37 (hg19) VCF-style: chr2-190430119-CTTT-C.
Other names: c.718_720del (NM_014585.5); short protein forms K240del.
Identifiers: ClinVar variation 698835 (VCV000698835.15), dbSNP rs570566899, ClinGen allele CA2024173.

ClinVar aggregate classification (germline): Likely benign. Review status: criteria provided, multiple submitters, no conflicts (2 of 4 stars). 2 submissions from 2 submitters: Likely benign (2). Last evaluated 2026-02-01.

Conditions:
Hemochromatosis type 4 (HFE4). Also called: Ferroportin disease; HEMOCHROMATOSIS DUE TO DEFECT IN FERROPORTIN; HEMOCHROMATOSIS, AUTOSOMAL DOMINANT. Identifiers: Orphanet 139491, Orphanet 647834, Orphanet 648562, MedGen C1853733, MONDO:0011631, OMIM 606069.

Allele frequency attached by ClinVar (database versions not stated): gnomAD 0.00001 and 0.00009; TOPMed 0.00002; gnomAD exomes 0.00012 and 0.00022; ExAC 0.00021; 1000 Genomes Project 0.00060; 1000 Genomes Project 30x 0.00062.

Submissions (2):

CeGaT Center for Human Genetics Tuebingen
Classification: Likely benign. Last evaluated: 2026-02-01. Review status: criteria provided, single submitter. Criteria: CeGaT Center For Human Genetics Tuebingen Variant Classification Criteria Version 2. Collection method: clinical testing. Allele origin: germline. Affected: yes. Observed: 1 variant allele.
Comment: SLC40A1: PM4:Supporting, BS2

Labcorp Genetics (formerly Invitae), Labcorp
Classification: Likely benign for Hemochromatosis type 4. Last evaluated: 2026-01-06. Review status: criteria provided, single submitter. Criteria: Invitae Variant Classification Sherloc (09022015). Collection method: clinical testing. Allele origin: germline.